The following is an entry in ClinVar:

ClinVar aggregate classification (germline): Uncertain significance (1 of 4 stars; one submission).

Conditions:
SLCO1B3-related disorder. Also called: SLCO1B3-related condition.

Allele frequency attached by ClinVar (database versions not stated): ExAC 0.00001; TOPMed 0.00002; ESP Exome Variant Server 0.00008.

Submission:

PreventionGenetics, part of Exact Sciences
Classification: Uncertain significance for SLCO1B3-related condition. Last evaluated: 2025-02-05. Review status: criteria provided, single submitter. Criteria: ACMG Guidelines, 2015. Collection method: clinical testing. Allele origin: germline.
Comment: The SLCO1B3 c.1720T>C variant is predicted to result in the amino acid substitution p.Phe574Leu. To our knowledge, this variant has not been reported in the literature. This variant is reported in 0.0062% of alleles in individuals of African descent in gnomAD. At this time, the clinical significance of this variant is uncertain due to the absence of conclusive functional and genetic evidence.

NM_019844.4(SLCO1B3):c.1720T>C (p.Phe574Leu)

Genes: SLCO1B3-SLCO1B7 (SLCO1B3-SLCO1B7 readthrough; plus strand), SLCO1B3 (solute carrier organic anion transporter family member 1B3; plus strand). Cytogenetic location: 12p12.2.
Variant type: single nucleotide variant.
Coding change: c.1720T>C on transcript NM_019844.4 (MANE Select); coding-DNA position 1720, T replaced by C.
Protein change: p.Phe574Leu; replaces phenylalanine 574 with leucine.
Molecular consequence: missense variant.
Genome position (GRCh38, 1-based): chr12:20,898,473, T>C. VCF-style: chr12-20898473-T-C. GRCh37 (hg19) VCF-style: chr12-21051407-T-C.
Other names: c.1720T>C, p.Phe574Leu (NM_001371097.1); c.1636T>C, p.Phe546Leu (NM_001349920.2); short protein forms F546L, F574L.
Identifiers: ClinVar variation 2632059 (VCV002632059.3), dbSNP rs369136047, ClinGen allele CA6475676.